The following is an entry in ClinVar:

NM_001164508.2(NEB):c.7839G>C (p.Lys2613Asn)

Gene: NEB (nebulin; minus strand). Cytogenetic location: 2q23.3.
Variant type: single nucleotide variant.
Coding change: c.7839G>C on transcript NM_001164508.2 (MANE Select); coding-DNA position 7839, G replaced by C.
Protein change: p.Lys2613Asn; replaces lysine 2613 with asparagine.
Molecular consequence: missense variant.
Genome position (GRCh38, 1-based): chr2:151,643,935, C>G on the plus strand (G>C on the coding strand, the complement: NEB is on the minus strand). VCF-style: chr2-151643935-C-G. GRCh37 (hg19) VCF-style: chr2-152500449-C-G.
Other names: c.7839G>C, p.Lys2613Asn (NM_004543.5, NM_001164507.2, NM_001271208.2); short protein forms K2613N.
Identifiers: ClinVar variation 95137 (VCV000095137.33), dbSNP rs13013209, ClinGen allele CA148258.

ClinVar aggregate classification (germline): Benign/Likely benign. Review status: criteria provided, multiple submitters, no conflicts (2 of 4 stars). 14 submissions from 13 submitters: Benign (11); Likely benign (1). 2 of the submissions do not count toward it. Last evaluated 2026-02-04.

Conditions:
Arthrogryposis multiplex congenita 6. Identifiers: MedGen C5543431, MONDO:0030281, OMIM 619334.
Nemaline myopathy 2 (NEM2). Also called: Nemaline myopathy 2, autosomal recessive. Identifiers: MedGen C1850569, MONDO:0009725, OMIM 256030.

Allele frequency attached by ClinVar (database versions not stated): 1000 Genomes Project 30x 0.29138; 1000 Genomes Project 0.29333; TOPMed 0.33538; gnomAD 0.34676 and 0.34960; ESP Exome Variant Server 0.34976; ExAC 0.41497; gnomAD exomes 0.42018 and 0.46093.

Submissions (14):

Labcorp Genetics (formerly Invitae), Labcorp
Classification: Benign for Nemaline myopathy 2. Last evaluated: 2026-02-04. Review status: criteria provided, single submitter. Criteria: Invitae Variant Classification Sherloc (09022015). Collection method: clinical testing. Allele origin: germline.

Blueprint Genetics
Classification: Likely benign. Last evaluated: 2024-11-26. Review status: criteria provided, single submitter. Criteria: ACMG Guidelines, 2015. Collection method: clinical testing. Allele origin: germline.

Genome-Nilou Lab
Classification: Benign for Arthrogryposis multiplex congenita 6. Last evaluated: 2021-07-10. Review status: criteria provided, single submitter. Criteria: ACMG Guidelines, 2015. Collection method: clinical testing. Allele origin: germline. Affected: no.

Genome-Nilou Lab
Classification: Benign for Nemaline myopathy 2. Last evaluated: 2021-07-10. Review status: criteria provided, single submitter. Criteria: ACMG Guidelines, 2015. Collection method: clinical testing. Allele origin: germline. Affected: no.

Illumina Laboratory Services, Illumina
Classification: Benign for Nemaline myopathy 2. Last evaluated: 2018-01-12. Review status: criteria provided, single submitter. Criteria: ICSL Variant Classification Criteria 13 December 2019. Collection method: clinical testing. Allele origin: germline.
Comment: This variant was observed in the ICSL laboratory as part of a predisposition screen in an ostensibly healthy population. It had not been previously curated by ICSL or reported in the Human Gene Mutation Database (HGMD: prior to June 1st, 2018), and was therefore a candidate for classification through an automated scoring system. Utilizing variant allele frequency, disease prevalence and penetrance estimates, and inheritance mode, an automated score was calculated to assess if this variant is too frequent to cause the disease. Based on the score and internal cut-off values, a variant classified as benign is not then subjected to further curation. The score for this variant resulted in a classification of benign for this disease.

Mayo Clinic Laboratories, Mayo Clinic
Classification: Benign. Last evaluated: 2017-07-20. Review status: criteria provided, single submitter. Criteria: ACMG Guidelines, 2015. Collection method: clinical testing. Allele origin: germline. Observed: 422 variant alleles.

Women's Health and Genetics/Laboratory Corporation of America, LabCorp
Classification: Benign. Last evaluated: 2017-04-24. Review status: criteria provided, single submitter. Criteria: LabCorp Variant Classification Summary - May 2015. Collection method: clinical testing. Allele origin: germline.
Comment: Variant summary: The NEB c.7839G>C (p.Lys2613Asn) variant involves the alteration of a conserved nucleotide and 2/3 in silico tools (SNPs&GO and Mutation Taster not captured here due to low reliability index and p-value, respectively) predict a damaging outcome. This variant was found in 50096/120722 control chromosomes (11150 homozygotes) from ExAC at a frequency of 0.4149699, which is approximately 117 times the estimated maximal expected allele frequency of a pathogenic NEB variant (0.0035355), thus this variant is a common benign polymorphism. In addition, multiple clinical diagnostic laboratories/reputable databases classified this variant as benign/likely benign. Therefore, the variant of interest has been classified as Benign.

GeneDx
Classification: Benign. Last evaluated: 2016-01-25. Review status: criteria provided, single submitter. Criteria: GeneDx Variant Classification (06012015). Collection method: clinical testing. Allele origin: germline. Affected: yes.
Comment: This variant is considered likely benign or benign based on one or more of the following criteria: it is a conservative change, it occurs at a poorly conserved position in the protein, it is predicted to be benign by multiple in silico algorithms, and/or has population frequency not consistent with disease.

Laboratory for Molecular Medicine, Mass General Brigham Personalized Medicine
Classification: Benign. Last evaluated: 2014-11-26. Review status: criteria provided, single submitter. Criteria: LMM Criteria. Collection method: clinical testing. Allele origin: germline. Observed: 9 variant alleles.
Comment: p.Lys2613Asn in exon 57 of NEB: This variant is not expected to have clinical si gnificance because it has been identified in 47% (3979/8400) of European America n chromosomes by the NHLBI Exome Sequencing Project (u/EVS/; dbSNP rs13013209).

Eurofins Ntd Llc (ga)
Classification: Benign. Last evaluated: 2013-08-23. Review status: criteria provided, single submitter. Criteria: EGL Classification Definitions 2015. Collection method: clinical testing. Allele origin: germline. Observed: 3 variant alleles, 1 heterozygote, 2 homozygotes.

Breakthrough Genomics
Classification: Benign. Review status: criteria provided, single submitter. Criteria: ACMG Guidelines, 2015. Collection method: not provided. Allele origin: germline. Inheritance: Autosomal recessive inheritance. Affected: yes.

PreventionGenetics, part of Exact Sciences
Classification: Benign. Review status: criteria provided, single submitter. Criteria: ACMG Guidelines, 2015. Collection method: clinical testing. Allele origin: germline.

Natera, Inc.
Classification: Benign for Nemaline myopathy type 2. Last evaluated: 2020-09-16. Review status: no assertion criteria provided. Collection method: clinical testing. Allele origin: germline. Not counted in ClinVar's aggregate classification.

Genetic Services Laboratory, University of Chicago
Classification: Likely benign for AllHighlyPenetrant. Review status: no assertion criteria provided. Collection method: clinical testing. Allele origin: germline. Inheritance: Autosomal recessive inheritance. Not counted in ClinVar's aggregate classification.
Comment: Likely benign based on allele frequency in 1000 Genomes Project or ESP global frequency and its presence in a patient with a rare or unrelated disease phenotype. NOT Sanger confirmed.